The following is an entry in ClinVar:

ClinVar aggregate classification (germline): Uncertain significance. Review status: criteria provided, multiple submitters, no conflicts (2 of 4 stars). 2 submissions from 2 submitters: Uncertain significance (2). Last evaluated 2025-03-12.

Conditions:
Hereditary cancer-predisposing syndrome. Also called: Hereditary neoplastic syndrome; Neoplastic Syndromes, Hereditary; Tumor predisposition; Hereditary Cancer Syndrome. Identifiers: Orphanet 140162, MedGen C0027672, MeSH D009386, MONDO:0015356.
Fanconi anemia complementation group J. Also called: BRIP1-Related Fanconi Anemia. Identifiers: Orphanet 84, MedGen C1836860, MONDO:0012187, OMIM 609054.
Familial cancer of breast. Also called: BREAST CANCER, FAMILIAL; Hereditary breast cancer; hereditary breast carcinoma. Identifiers: Orphanet 227535, MedGen C0346153, MONDO:0016419, OMIM 114480. Disease mechanism: loss of function.

Allele frequency attached by ClinVar (database versions not stated): gnomAD exomes below 0.00001.
gnomAD v4.1: 1 of 1,613,540 alleles (0.000062%); highest among the groups gnomAD compares: Non-Finnish European, 0.000085%; no homozygotes.

Submissions (2):

Labcorp Genetics (formerly Invitae), Labcorp
Classification: Uncertain significance for Familial cancer of breast; Fanconi anemia complementation group J. Last evaluated: 2025-03-12. Review status: criteria provided, single submitter. Criteria: Invitae Variant Classification Sherloc (09022015). Collection method: clinical testing. Allele origin: germline.
Comment: This sequence change replaces aspartic acid, which is acidic and polar, with valine, which is neutral and non-polar, at codon 1192 of the BRIP1 protein (p.Asp1192Val). This variant is not present in population databases (gnomAD no frequency). This variant has not been reported in the literature in individuals affected with BRIP1-related conditions. ClinVar contains an entry for this variant (Variation ID: 481670). Invitae Evidence Modeling of protein sequence and biophysical properties (such as structural, functional, and spatial information, amino acid conservation, physicochemical variation, residue mobility, and thermodynamic stability) indicates that this missense variant is not expected to disrupt BRIP1 protein function with a negative predictive value of 95%. In summary, the available evidence is currently insufficient to determine the role of this variant in disease. Therefore, it has been classified as a Variant of Uncertain Significance.

Ambry Genetics
Classification: Uncertain significance for Hereditary cancer-predisposing syndrome. Last evaluated: 2023-07-26. Review status: criteria provided, single submitter. Criteria: Ambry Variant Classification Scheme 2023. Collection method: clinical testing. Allele origin: germline.
Comment: The p.D1192V variant (also known as c.3575A>T), located in coding exon 19 of the BRIP1 gene, results from an A to T substitution at nucleotide position 3575. The aspartic acid at codon 1192 is replaced by valine, an amino acid with highly dissimilar properties. This amino acid position is not well conserved in available vertebrate species. In addition, this alteration is predicted to be tolerated by in silico analysis. Since supporting evidence is limited at this time, the clinical significance of this alteration remains unclear.

NM_032043.3(BRIP1):c.3575A>T (p.Asp1192Val)

Gene: BRIP1 (BRCA1 interacting DNA helicase 1; minus strand). Cytogenetic location: 17q23.2.
Variant type: single nucleotide variant.
Coding change: c.3575A>T on transcript NM_032043.3 (MANE Select); coding-DNA position 3575, A replaced by T.
Protein change: p.Asp1192Val; replaces aspartic acid 1192 with valine.
Molecular consequence: missense variant.
Genome position (GRCh38, 1-based): chr17:61,683,471, T>A on the plus strand (A>T on the coding strand, the complement: BRIP1 is on the minus strand). VCF-style: chr17-61683471-T-A. GRCh37 (hg19) VCF-style: chr17-59760832-T-A.
Other names: short protein forms D1192V.
Identifiers: ClinVar variation 481670 (VCV000481670.7), dbSNP rs1555572525, ClinGen allele CA400478193.